The following is an entry in ClinVar:

NM_031935.3(HMCN1):c.8952G>C (p.Leu2984Phe)

Gene: HMCN1 (hemicentin 1; plus strand). Cytogenetic location: 1q31.1.
Variant type: single nucleotide variant.
Coding change: c.8952G>C on transcript NM_031935.3 (MANE Select); coding-DNA position 8952, G replaced by C.
Protein change: p.Leu2984Phe; replaces leucine 2984 with phenylalanine.
Molecular consequence: missense variant.
Genome position (GRCh38, 1-based): chr1:186,086,313, G>C. VCF-style: chr1-186086313-G-C. GRCh37 (hg19) VCF-style: chr1-186055445-G-C.
Other names: short protein forms L2984F.
Identifiers: ClinVar variation 3641009 (VCV003641009.2).

ClinVar aggregate classification (germline): Uncertain significance (1 of 4 stars; one submission).

Submission:

Labcorp Genetics (formerly Invitae), Labcorp
Classification: Uncertain significance. Last evaluated: 2024-12-31. Review status: criteria provided, single submitter. Criteria: Invitae Variant Classification Sherloc (09022015). Collection method: clinical testing. Allele origin: germline.
Comment: This sequence change replaces leucine, which is neutral and non-polar, with phenylalanine, which is neutral and non-polar, at codon 2984 of the HMCN1 protein (p.Leu2984Phe). This variant is not present in population databases (gnomAD no frequency). This variant has not been reported in the literature in individuals affected with HMCN1-related conditions. An algorithm developed to predict the effect of missense changes on protein structure and function (PolyPhen-2) suggests that this variant is likely to be disruptive. In summary, the available evidence is currently insufficient to determine the role of this variant in disease. Therefore, it has been classified as a Variant of Uncertain Significance.